The following is an entry in ClinVar:

ClinVar aggregate classification (germline): Uncertain significance. Review status: criteria provided, multiple submitters, no conflicts (2 of 4 stars). 3 submissions from 3 submitters: Uncertain significance (3). Last evaluated 2025-08-20.

Conditions:
Postaxial polydactyly-anterior pituitary anomalies-facial dysmorphism syndrome. Also called: Culler-Jones syndrome. Identifiers: Orphanet 420584, MedGen C4014479, MONDO:0014369, OMIM 615849.
Holoprosencephaly 9 (HPE9). Also called: HOLOPROSENCEPHALY WITH MICROPHTHALMIA AND FIRST BRANCHIAL ARCH ANOMALIES; PITUITARY ANOMALIES WITH HOLOPROSENCEPHALY-LIKE FEATURES. Identifiers: Orphanet 2162, MedGen C1835819, MONDO:0012563, OMIM 610829.
Inborn genetic diseases. Identifiers: MedGen C0950123, MeSH D030342.

Allele frequency attached by ClinVar (database versions not stated): gnomAD exomes 0.00002 and 0.00001; TOPMed below 0.00001; gnomAD 0.00001; ExAC 0.00002.
gnomAD v4.1: 6 of 1,595,596 alleles (0.00038%); highest among the groups gnomAD compares: Admixed American, 0.01%; no homozygotes.

Submissions (3):

Ambry Genetics
Classification: Uncertain significance for Inborn genetic diseases. Last evaluated: 2025-08-20. Review status: criteria provided, single submitter. Criteria: Ambry Variant Classification Scheme 2023. Collection method: clinical testing. Allele origin: germline.

Labcorp Genetics (formerly Invitae), Labcorp
Classification: Uncertain significance for Postaxial polydactyly-anterior pituitary anomalies-facial dysmorphism syndrome; Holoprosencephaly 9. Last evaluated: 2025-07-09. Review status: criteria provided, single submitter. Criteria: Invitae Variant Classification Sherloc (09022015). Collection method: clinical testing. Allele origin: germline.
Comment: This sequence change replaces proline, which is neutral and non-polar, with leucine, which is neutral and non-polar, at codon 1029 of the GLI2 protein (p.Pro1029Leu). This variant is present in population databases (rs765093621, gnomAD 0.02%). This variant has not been reported in the literature in individuals affected with GLI2-related conditions. ClinVar contains an entry for this variant (Variation ID: 435327). Invitae Evidence Modeling of protein sequence and biophysical properties (such as structural, functional, and spatial information, amino acid conservation, physicochemical variation, residue mobility, and thermodynamic stability) has been performed for this missense variant. However, the output from this modeling did not meet the statistical confidence thresholds required to predict the impact of this variant on GLI2 protein function. In summary, the available evidence is currently insufficient to determine the role of this variant in disease. Therefore, it has been classified as a Variant of Uncertain Significance.

Genetic Services Laboratory, University of Chicago
Classification: Uncertain significance. Last evaluated: 2016-06-01. Review status: criteria provided, single submitter. Criteria: ACMG Guidelines, 2015. Collection method: clinical testing. Allele origin: germline. Affected: no.

NM_001374353.1(GLI2):c.3035C>T (p.Pro1012Leu)

Gene: GLI2 (GLI family zinc finger 2; plus strand). Cytogenetic location: 2q14.2.
Variant type: single nucleotide variant.
Coding change: c.3035C>T on transcript NM_001374353.1 (MANE Select); coding-DNA position 3035, C replaced by T.
Protein change: p.Pro1012Leu; replaces proline 1012 with leucine.
Molecular consequence: missense variant.
Genome position (GRCh38, 1-based): chr2:120,989,000, C>T. VCF-style: chr2-120989000-C-T. GRCh37 (hg19) VCF-style: chr2-121746576-C-T.
Other names: c.3086C>T, p.Pro1029Leu (NM_001371271.1, NM_005270.5); c.2660C>T, p.Pro887Leu (NM_001374354.1); short protein forms P1029L, P887L, P1012L.
Identifiers: ClinVar variation 435327 (VCV000435327.8), dbSNP rs765093621, ClinGen allele CA1852307.